The following is an entry in ClinVar:

ClinVar aggregate classification (germline): Benign/Likely benign. Review status: criteria provided, multiple submitters, no conflicts (2 of 4 stars). 4 submissions from 4 submitters: Benign (1); Likely benign (3). Last evaluated 2026-01-24.

Conditions:
Idiopathic generalized epilepsy. Also called: Generalised epilepsy; EIG. Identifiers: MedGen C0270850, MONDO:0005579, OMIM 600669.
Hyperaldosteronism, familial, type IV (HALD4). Also called: FH IV; ALDOSTERONISM, PRIMARY, AND HYPERTENSION. Identifiers: Orphanet 642671, MedGen C4310756, MONDO:0014875, OMIM 617027.

Allele frequency attached by ClinVar (database versions not stated): ESP Exome Variant Server 0.00008; gnomAD exomes 0.00017 and 0.00025; gnomAD 0.00021 and 0.00022; ExAC 0.00022; TOPMed 0.00022; 1000 Genomes Project 30x 0.00031; 1000 Genomes Project 0.00040.
gnomAD v4.1: 297 of 1,612,822 alleles (0.018%); highest among the groups gnomAD compares: Middle Eastern, 0.28%; 1 homozygote.

Submissions (4):

Labcorp Genetics (formerly Invitae), Labcorp
Classification: Likely benign for Idiopathic generalized epilepsy; Hyperaldosteronism, familial, type IV. Last evaluated: 2026-01-24. Review status: criteria provided, single submitter. Criteria: Invitae Variant Classification Sherloc (09022015). Collection method: clinical testing. Allele origin: germline.

CeGaT Center for Human Genetics Tuebingen
Classification: Benign. Last evaluated: 2025-07-01. Review status: criteria provided, single submitter. Criteria: CeGaT Center For Human Genetics Tuebingen Variant Classification Criteria Version 2. Collection method: clinical testing. Allele origin: germline. Affected: yes. Observed: 2 variant alleles.
Comment: CACNA1H: BS1, BS2

Blueprint Genetics
Classification: Likely benign. Last evaluated: 2024-10-08. Review status: criteria provided, single submitter. Criteria: ACMG Guidelines, 2015. Collection method: clinical testing. Allele origin: germline.

Breakthrough Genomics
Classification: Likely benign. Review status: criteria provided, single submitter. Criteria: ACMG Guidelines, 2015. Collection method: not provided. Allele origin: germline. Inheritance: Autosomal dominant inheritance. Affected: yes.

NM_021098.3(CACNA1H):c.2561G>A (p.Arg854Gln)

Gene: CACNA1H (calcium voltage-gated channel subunit alpha1 H; plus strand). Cytogenetic location: 16p13.3.
Variant type: single nucleotide variant.
Coding change: c.2561G>A on transcript NM_021098.3 (MANE Select); coding-DNA position 2561, G replaced by A.
Protein change: p.Arg854Gln; replaces arginine 854 with glutamine.
Molecular consequence: missense variant.
Genome position (GRCh38, 1-based): chr16:1,205,223, G>A. VCF-style: chr16-1205223-G-A. GRCh37 (hg19) VCF-style: chr16-1255223-G-A.
Other names: c.2561G>A, p.Arg854Gln (NM_001005407.2); short protein forms R854Q.
Identifiers: ClinVar variation 579739 (VCV000579739.31), dbSNP rs370088144, ClinGen allele CA7800335.
Genomic context (GRCh38, chr16:1,205,223, plus strand): 5'-GCATGTTTGCCCTGGAGATGCTGCTGAAGCTGCTGGCCTGCGGCCCTCTGGGCTACATCC[G>A]GAACCCGTACAACATCTTCGACGGCATCATCGTGGTCATCAGGTGGGTCCCCACCCTCTC-3'
Protein context (NP_066921.2, residues 844-864): LLACGPLGYI[Arg854Gln]NPYNIFDGII